The following is an entry in ClinVar:

ClinVar aggregate classification (germline): Pathogenic (1 of 4 stars; one submission).

Conditions:
Fanconi-Bickel syndrome (FBS). Also called: PSEUDO-PHLORIZIN DIABETES; Glycogen storage disease due to GLUT2 deficiency; FANCONI SYNDROME WITH INTESTINAL MALABSORPTION AND GALACTOSE INTOLERANCE; HEPATIC GLYCOGENOSIS WITH AMINO ACIDURIA AND GLUCOSURIA; HEPATIC GLYCOGENOSIS WITH FANCONI NEPHROPATHY; HEPATORENAL GLYCOGENOSIS WITH RENAL FANCONI SYNDROME. Identifiers: Orphanet 2088, MedGen C3495427, MONDO:0009216, OMIM 227810.

Submission:

Labcorp Genetics (formerly Invitae), Labcorp
Classification: Pathogenic for Fanconi-Bickel syndrome. Last evaluated: 2021-10-15. Review status: criteria provided, single submitter. Criteria: Invitae Variant Classification Sherloc (09022015). Collection method: clinical testing. Allele origin: germline.
Comment: This variant is not present in population databases (ExAC no frequency). For these reasons, this variant has been classified as Pathogenic. Algorithms developed to predict the effect of sequence changes on RNA splicing suggest that this variant may disrupt the consensus splice site. This variant is also known as IVS8+1G>T. Disruption of this splice site has been observed in individuals with Fanconi-Bickel syndrome (PMID: 11810292, 23271022). This sequence change affects a donor splice site in intron 9 of the SLC2A2 gene. It is expected to disrupt RNA splicing. Variants that disrupt the donor or acceptor splice site typically lead to a loss of protein function (PMID: 16199547), and loss-of-function variants in SLC2A2 are known to be pathogenic (PMID: 11810292).

Literature cited by the submitters: PubMed 11810292; PubMed 23271022; PubMed 16199547.

NM_000340.2(SLC2A2):c.1170+1G>T

Gene: SLC2A2 (solute carrier family 2 member 2; minus strand). Cytogenetic location: 3q26.2.
Variant type: single nucleotide variant.
Coding change: c.1170+1G>T on transcript NM_000340.2 (MANE Select); the canonical splice donor site of the intron after coding-DNA position 1170, G replaced by T.
Molecular consequence: splice donor variant.
Genome position (GRCh38, 1-based): chr3:170,999,064, C>A on the plus strand (G>T on the coding strand, the complement: SLC2A2 is on the minus strand). VCF-style: chr3-170999064-C-A. GRCh37 (hg19) VCF-style: chr3-170716853-C-A.
Other names: c.813+1G>T (NM_001278658.2); c.651+1G>T (NM_001278659.2).
Identifiers: ClinVar variation 1451164 (VCV001451164.6), dbSNP rs1294679246, ClinGen allele CA355486202.
Genomic context (GRCh38, chr3:170,999,064, plus strand): 5'-ACAGAGGTGCCAGGTACCATCATATGTTAATGAAAAACCTCAGTGCAGGCACCAAACTTA[C>A]CAGCAGCACAAGTCCCACTGACATGAAGATGGCACAAACAAACATCCCACTCATTCCAAT-3'